The following is an entry in ClinVar:

NM_001347721.2(DYRK1A):c.383A>G (p.Asn128Ser)

Gene: DYRK1A (dual specificity tyrosine phosphorylation regulated kinase 1A; plus strand). Cytogenetic location: 21q22.13.
Variant type: single nucleotide variant.
Coding change: c.383A>G on transcript NM_001347721.2 (MANE Select); coding-DNA position 383, A replaced by G.
Protein change: p.Asn128Ser; replaces asparagine 128 with serine.
Molecular consequence: missense variant.
Genome position (GRCh38, 1-based): chr21:37,480,720, A>G. VCF-style: chr21-37480720-A-G. GRCh37 (hg19) VCF-style: chr21-38853022-A-G.
Other names: c.383A>G, p.Asn128Ser (NM_001347722.2, NM_130436.2); c.296A>G, p.Asn99Ser (NM_001347723.2); c.410A>G, p.Asn137Ser (NM_001396.5, NM_101395.2, NM_130438.2); short protein forms N128S, N137S, N99S.
Identifiers: ClinVar variation 1693322 (VCV001693322.5), dbSNP rs758001054, ClinGen allele CA10023788.

ClinVar aggregate classification (germline): Conflicting classifications of pathogenicity. Review status: criteria provided, conflicting classifications (1 of 4 stars). 2 submissions from 2 submitters: Uncertain significance (1); Likely benign (1). Last evaluated 2024-10-24.

Conditions:
DYRK1A-related intellectual disability syndrome (MRD7). Also called: DYRK1A Syndrome; Intellectual developmental disorder, autosomal dominant 7. Identifiers: Orphanet 464306, MedGen C5568143, MONDO:0013578, OMIM 614104.

Allele frequency attached by ClinVar (database versions not stated): gnomAD exomes below 0.00001; ExAC 0.00001.

Submissions (2):

Labcorp Genetics (formerly Invitae), Labcorp
Classification: Likely benign for DYRK1A-related intellectual disability syndrome. Last evaluated: 2024-10-24. Review status: criteria provided, single submitter. Criteria: Invitae Variant Classification Sherloc (09022015). Collection method: clinical testing. Allele origin: germline.

GeneDx
Classification: Uncertain significance. Last evaluated: 2022-07-01. Review status: criteria provided, single submitter. Criteria: GeneDx Variant Classification Process June 2021. Collection method: clinical testing. Allele origin: germline. Affected: yes.
Comment: In silico analysis supports that this missense variant has a deleterious effect on protein structure/function; Has not been previously published as pathogenic or benign to our knowledge